The following is an entry in ClinVar:

NM_181861.2(APAF1):c.3074C>A (p.Ala1025Asp)

Gene: APAF1 (apoptotic peptidase activating factor 1; plus strand). Cytogenetic location: 12q23.1.
Variant type: single nucleotide variant.
Coding change: c.3074C>A on transcript NM_181861.2 (MANE Select); coding-DNA position 3074, C replaced by A.
Protein change: p.Ala1025Asp; replaces alanine 1025 with aspartic acid.
Molecular consequence: missense variant. On other transcripts: intron variant (1).
Genome position (GRCh38, 1-based): chr12:98,715,542, C>A. VCF-style: chr12-98715542-C-A. GRCh37 (hg19) VCF-style: chr12-99109320-C-A.
Other names: c.2912C>A, p.Ala971Asp (NM_001160.3); c.3041C>A, p.Ala1014Asp (NM_013229.3); c.2945C>A, p.Ala982Asp (NM_181868.2); c.956-16878C>A (NM_181869.2); short protein forms A982D, A971D, A1025D, A1014D.
Identifiers: ClinVar variation 709456 (VCV000709456.5), dbSNP rs77127123, ClinGen allele CA6734420.

ClinVar aggregate classification (germline): Benign. Review status: criteria provided, single submitter (1 of 4 stars). 2 submissions from 2 submitters: Benign (1). 1 of the submissions does not count toward it. Last evaluated 2018-05-21.

Conditions:
APAF1-related disorder. Also called: APAF1-related condition.

Allele frequency attached by ClinVar (database versions not stated): gnomAD 0.00390; TOPMed 0.00507; 1000 Genomes Project 0.00519; 1000 Genomes Project 30x 0.00547; ESP Exome Variant Server 0.00623.
gnomAD v4.1: 1,319 of 1,613,456 alleles (0.082%); highest among the groups gnomAD compares: African/African-American, 1.5%; 8 homozygotes.

Submissions (2):

Labcorp Genetics (formerly Invitae), Labcorp
Classification: Benign. Last evaluated: 2018-05-21. Review status: criteria provided, single submitter. Criteria: Invitae Variant Classification Sherloc (09022015). Collection method: clinical testing. Allele origin: germline.

PreventionGenetics, part of Exact Sciences
Classification: Likely benign for APAF1-related condition. Last evaluated: 2019-02-18. Review status: no assertion criteria provided. Collection method: clinical testing. Allele origin: germline. Not counted in ClinVar's aggregate classification.
Comment: This variant is classified as likely benign based on ACMG/AMP sequence variant interpretation guidelines (Richards et al. 2015 PMID: 25741868, with internal and published modifications).